The following is an entry in ClinVar:

NM_002184.4(IL6ST):c.658+6T>G

Gene: IL6ST (interleukin 6 cytokine family signal transducer; minus strand). Cytogenetic location: 5q11.2.
Variant type: single nucleotide variant.
Coding change: c.658+6T>G on transcript NM_002184.4 (MANE Select); 6 bases into the intron after coding-DNA position 658, T replaced by G.
Molecular consequence: intron variant.
Genome position (GRCh38, 1-based): chr5:55,964,140, A>C on the plus strand (T>G on the coding strand, the complement: IL6ST is on the minus strand). VCF-style: chr5-55964140-A-C. GRCh37 (hg19) VCF-style: chr5-55259968-A-C.
Other names: c.448+6T>G (NM_001364276.2); c.-256+6T>G (NM_001364279.2, NM_001364277.2); c.-246+6T>G (NM_001364278.2); c.658+6T>G (NM_175767.3, NM_001190981.2, NM_001364275.2).
Identifiers: ClinVar variation 1030531 (VCV001030531.4), dbSNP rs1161277926, ClinGen allele CA812295167.

ClinVar aggregate classification (germline): Uncertain significance. Review status: criteria provided, multiple submitters, no conflicts (2 of 4 stars). 2 submissions from 2 submitters: Uncertain significance (2). Last evaluated 2023-12-12.

Conditions:
Hyper-IgE recurrent infection syndrome 4, autosomal recessive. Also called: HYPER-IgE SYNDROME 4B, AUTOSOMAL RECESSIVE, WITH RECURRENT INFECTIONS; HYPER-IgE RECURRENT INFECTION SYNDROME 4B, AUTOSOMAL RECESSIVE. Identifiers: MedGen C5193141, MONDO:0032796, OMIM 618523.

Allele frequency attached by ClinVar (database versions not stated): gnomAD 0.00001; TOPMed 0.00001.
gnomAD v4.1: 1 of 1,526,656 alleles (0.000066%); highest among the groups gnomAD compares: African/African-American, 0.0014%; no homozygotes.

Submissions (2):

Labcorp Genetics (formerly Invitae), Labcorp
Classification: Uncertain significance. Last evaluated: 2023-12-12. Review status: criteria provided, single submitter. Criteria: Invitae Variant Classification Sherloc (09022015). Collection method: clinical testing. Allele origin: germline.
Comment: This sequence change falls in intron 6 of the IL6ST gene. It does not directly change the encoded amino acid sequence of the IL6ST protein. It affects a nucleotide within the consensus splice site. This variant is not present in population databases (gnomAD no frequency). This variant has not been reported in the literature in individuals affected with IL6ST-related conditions. ClinVar contains an entry for this variant (Variation ID: 1030531). Variants that disrupt the consensus splice site are a relatively common cause of aberrant splicing (PMID: 17576681, 9536098). Algorithms developed to predict the effect of sequence changes on RNA splicing suggest that this variant is not likely to affect RNA splicing. In summary, the available evidence is currently insufficient to determine the role of this variant in disease. Therefore, it has been classified as a Variant of Uncertain Significance.

Baylor Genetics
Classification: Uncertain significance for Hyper-IgE recurrent infection syndrome 4, autosomal recessive. Last evaluated: 2020-01-15. Review status: criteria provided, single submitter. Criteria: ACMG Guidelines, 2015. Collection method: clinical testing. Allele origin: unknown. Affected: yes.
Comment: This variant was determined to be of uncertain significance according to ACMG Guidelines, 2015 [PMID:25741868].

Literature cited by the submitters: PubMed 17576681 (cited by Labcorp Genetics (formerly Invitae), Labcorp); PubMed 9536098 (cited by Labcorp Genetics (formerly Invitae), Labcorp).